The following is an entry in ClinVar:

NM_000540.3(RYR1):c.960G>T (p.Glu320Asp)

Gene: RYR1 (ryanodine receptor 1; plus strand). Cytogenetic location: 19q13.2.
Variant type: single nucleotide variant.
Coding change: c.960G>T on transcript NM_000540.3 (MANE Select); coding-DNA position 960, G replaced by T.
Protein change: p.Glu320Asp; replaces glutamic acid 320 with aspartic acid.
Molecular consequence: missense variant.
Genome position (GRCh38, 1-based): chr19:38,448,651, G>T. VCF-style: chr19-38448651-G-T. GRCh37 (hg19) VCF-style: chr19-38939291-G-T.
Other names: c.960G>T, p.Glu320Asp (NM_001042723.2); short protein forms E320D.
Identifiers: ClinVar variation 3069726 (VCV003069726.1), dbSNP rs1600656609, ClinGen allele CA405682595.

ClinVar aggregate classification (germline): Uncertain significance (1 of 4 stars; one submission).

Conditions:
Malignant hyperthermia, susceptibility to, 1 (MHS1). Also called: RYR1-Related Malignant Hyperthermia Susceptibility; Anesthesia related hyperthermia; Malignant hyperpyrexia; Fulminating hyperpyrexia; Pharmacogenic myopathy; Malignant hyperthermia suceptibility 1. Identifiers: Orphanet 423, MedGen C2930980, MONDO:0007783, OMIM 145600.

Submission:

All of Us Research Program, National Institutes of Health
Classification: Uncertain significance for Malignant hyperthermia, susceptibility to, 1. Last evaluated: 2023-03-28. Review status: criteria provided, single submitter. Criteria: ACMG Guidelines, 2015. Collection method: clinical testing. Allele origin: germline. Inheritance: Autosomal dominant inheritance. Observed: 2 variant alleles, 2 heterozygotes.
Comment: This missense variant replaces glutamic acid with aspartic acid at codon 320 of the RYR1 protein. Computational prediction suggests that this variant may not impact protein structure and function (internally defined REVEL score threshold <= 0.5, PMID: 27666373). To our knowledge, functional studies have not been reported for this variant. This variant has not been reported in individuals affected with RYR1-related disorders in the literature. This variant has not been identified in the general population by the Genome Aggregation Database (gnomAD). The available evidence is insufficient to determine the role of this variant in disease conclusively. Therefore, this variant is classified as a Variant of Uncertain Significance.

This study involves interpretation of variants in research participants for the purpose of population health screening. Participant phenotype was not available at the time of variant classification. Additional details can be found in publication PMID: 35346344, PMCID: PMC8962531